The following is an entry in ClinVar:

ClinVar aggregate classification (germline): Uncertain significance. Review status: criteria provided, multiple submitters, no conflicts (2 of 4 stars). 3 submissions from 3 submitters: Uncertain significance (3). Last evaluated 2024-03-06.

Conditions:
Cardiovascular phenotype. Identifiers: MedGen CN230736.
Arrhythmogenic right ventricular cardiomyopathy (ARVD). Also called: Cardiomyopathy, ARVC; Arrhythmogenic right ventricular dysplasia; Arrhythmogenic cardiomyopathy; Arrhythmogenic Right Ventricular Cardiomyopathy (ARVC). Identifiers: Orphanet 247, MedGen C0349788, MeSH D019571, MONDO:0016587. Disease mechanism: loss of function. Inheritance: Various modes of inheritance.
Cardiomyopathy (CMYO). Also called: Cardiomyopathies. Identifiers: Orphanet 167848, MedGen C0878544, MONDO:0004994, HP:0001638. Inheritance: Various modes of inheritance.

Allele frequency attached by ClinVar (database versions not stated): gnomAD 0.00001; TOPMed 0.00002.
gnomAD v4.1: 8 of 1,585,226 alleles (0.0005%); highest among the groups gnomAD compares: Admixed American, 0.0017%; no homozygotes.

Submissions (3):

Color Diagnostics, LLC DBA Color Health
Classification: Uncertain significance for Cardiomyopathy. Last evaluated: 2024-03-06. Review status: criteria provided, single submitter. Criteria: ACMG Guidelines, 2015. Collection method: clinical testing. Allele origin: germline.
Comment: This missense variant replaces serine with arginine at codon 44 of the PKP2 protein. Computational prediction suggests that this variant may not impact protein structure and function (internally defined REVEL score threshold <= 0.5, PMID: 27666373). To our knowledge, functional studies have not been reported for this variant. This variant has not been reported in individuals affected with cardiovascular disorders in the literature. This variant has not been identified in the general population by the Genome Aggregation Database (gnomAD). The available evidence is insufficient to determine the role of this variant in disease conclusively. Therefore, this variant is classified as a Variant of Uncertain Significance.

All of Us Research Program, National Institutes of Health
Classification: Uncertain significance for Arrhythmogenic right ventricular cardiomyopathy. Last evaluated: 2024-01-11. Review status: criteria provided, single submitter. Criteria: ACMG Guidelines, 2015. Collection method: clinical testing. Allele origin: germline. Inheritance: Autosomal dominant inheritance. Observed: 2 variant alleles, 2 heterozygotes.
Comment: This missense variant replaces serine with arginine at codon 44 of the PKP2 protein. Computational prediction suggests that this variant may not impact protein structure and function (internally defined REVEL score threshold <= 0.5, PMID: 27666373). To our knowledge, functional studies have not been reported for this variant. This variant has not been reported in individuals affected with cardiovascular disorders in the literature. This variant has not been identified in the general population by the Genome Aggregation Database (gnomAD). The available evidence is insufficient to determine the role of this variant in disease conclusively. Therefore, this variant is classified as a Variant of Uncertain Significance.

This study involves interpretation of variants in research participants for the purpose of population health screening. Participant phenotype was not available at the time of variant classification. Additional details can be found in publication PMID: 35346344, PMCID: PMC8962531

Ambry Genetics
Classification: Uncertain significance for Cardiovascular phenotype. Last evaluated: 2023-04-12. Review status: criteria provided, single submitter. Criteria: Ambry Variant Classification Scheme 2023. Collection method: clinical testing. Allele origin: germline.

NM_001005242.3(PKP2):c.130A>C (p.Ser44Arg)

Gene: PKP2 (plakophilin 2; minus strand). Cytogenetic location: 12p11.21.
Variant type: single nucleotide variant.
Coding change: c.130A>C on transcript NM_001005242.3 (MANE Select); coding-DNA position 130, A replaced by C.
Protein change: p.Ser44Arg; replaces serine 44 with arginine.
Molecular consequence: missense variant.
Genome position (GRCh38, 1-based): chr12:32,896,602, T>G on the plus strand (A>C on the coding strand, the complement: PKP2 is on the minus strand). VCF-style: chr12-32896602-T-G. GRCh37 (hg19) VCF-style: chr12-33049536-T-G.
Other names: c.130A>C, p.Ser44Arg (NM_004572.4); short protein forms S44R.
Identifiers: ClinVar variation 1172297 (VCV001172297.7), dbSNP rs1401769906, ClinGen allele CA384371221.